The following is an entry in ClinVar:

ClinVar aggregate classification (germline): Likely pathogenic (1 of 4 stars; one submission).

Submission:

Labcorp Genetics (formerly Invitae), Labcorp
Classification: Likely pathogenic. Last evaluated: 2022-12-14. Review status: criteria provided, single submitter. Criteria: Invitae Variant Classification Sherloc (09022015). Collection method: clinical testing. Allele origin: germline.
Comment: In summary, the currently available evidence indicates that the variant is pathogenic, but additional data are needed to prove that conclusively. Therefore, this variant has been classified as Likely Pathogenic. This variant has not been reported in the literature in individuals affected with LRP5-related conditions. This variant results in a copy number gain of the genomic region encompassing exon(s) 2 of the LRP5 gene. While the exact position of this variant cannot be determined from the data, sub-genic copy number gains are generally in tandem (PMID: 25640679). This variant is predicted to be out-of-frame, and may result in an absent or disrupted protein product. Loss-of-function variants in LRP5 are known to be pathogenic (PMID: 11719191, 16252235, 25711638).

Literature cited by the submitters: PubMed 25640679; PubMed 11719191; PubMed 16252235; PubMed 25711638.

NC_000011.9:g.(?_68115295)_(68115731_?)dup

Gene: LRP5 (LDL receptor related protein 5; plus strand). Cytogenetic location: 11q13.2.
Variant type: Duplication.
Identifiers: ClinVar variation 2424411 (VCV002424411.4).